The following is an entry in ClinVar:

ClinVar aggregate classification (germline): Conflicting classifications of pathogenicity. Review status: criteria provided, conflicting classifications (1 of 4 stars). 3 submissions from 3 submitters: Uncertain significance (1); Likely benign (1). 1 of the submissions does not count toward it. Last evaluated 2025-08-11.

Conditions:
CHRNA2-related disorder. Also called: CHRNA2-related condition.
Familial sleep-related hypermotor epilepsy. Also called: Autosomal Dominant Sleep-Related Hypermotor (Hyperkinetic) Epilepsy. Identifiers: Orphanet 98784, MedGen C3696898, MONDO:0000030.

Allele frequency attached by ClinVar (database versions not stated): TOPMed 0.00002.

Submissions (3):

Labcorp Genetics (formerly Invitae), Labcorp
Classification: Likely benign. Last evaluated: 2025-08-11. Review status: criteria provided, single submitter. Criteria: Invitae Variant Classification Sherloc (09022015). Collection method: clinical testing. Allele origin: germline.

GeneDx
Classification: Uncertain significance. Last evaluated: 2019-10-15. Review status: criteria provided, single submitter. Criteria: GeneDx Variant Classification Process June 2021. Collection method: clinical testing. Allele origin: germline. Affected: yes.
Comment: In silico analysis, which includes protein predictors and evolutionary conservation, supports a deleterious effect; Has not been previously published as pathogenic or benign to our knowledge; This amino acid substitution is not predicted to occur within the transmembrane region of the protein, where the vast majority of pathogenic missense variants have been identified in association with epilepsy (Steinlein et al., 2010).

PreventionGenetics, part of Exact Sciences
Classification: Uncertain significance for CHRNA2-related condition. Last evaluated: 2024-02-02. Review status: no assertion criteria provided. Collection method: clinical testing. Allele origin: germline. Not counted in ClinVar's aggregate classification.
Comment: The CHRNA2 c.215G>A variant is predicted to result in the amino acid substitution p.Arg72His. To our knowledge, this variant has not been reported in the literature. This variant is reported in 0.0080% of alleles in individuals of African descent in gnomAD. At this time, the clinical significance of this variant is uncertain due to the absence of conclusive functional and genetic evidence.

NM_000742.4(CHRNA2):c.215G>A (p.Arg72His)

Gene: CHRNA2 (cholinergic receptor nicotinic alpha 2 subunit; minus strand). Cytogenetic location: 8p21.2.
Variant type: single nucleotide variant.
Coding change: c.215G>A on transcript NM_000742.4 (MANE Select); coding-DNA position 215, G replaced by A.
Protein change: p.Arg72His; replaces arginine 72 with histidine.
Molecular consequence: missense variant. On other transcripts: 5 prime UTR variant (4).
Genome position (GRCh38, 1-based): chr8:27,469,840, C>T on the plus strand (G>A on the coding strand, the complement: CHRNA2 is on the minus strand). VCF-style: chr8-27469840-C-T. GRCh37 (hg19) VCF-style: chr8-27327357-C-T.
Other names: c.215G>A, p.Arg72His (NM_001282455.2); c.-213G>A (NM_001347705.2); c.-258G>A (NM_001347706.2); c.-199G>A (NM_001347707.2); c.-247G>A (NM_001347708.2); short protein forms R72H.
Identifiers: ClinVar variation 642716 (VCV000642716.11), dbSNP rs201922955, ClinGen allele CA4689763.
Genomic context (GRCh38, chr8:27,469,840, plus strand): 5'-ATGGACAGTCCAAAGCGCACAATCACCACGTCTGAAGTGTTGGGCACCGGGCGCGCCCAG[C>T]GGTTGTAGCCCCGGAAGAGGTGTTTGAAGAGCCGGTCCTCAGTCTCGGTATGCGAGCCTC-3'
Protein context (NP_000733.2, residues 62-82): LFKHLFRGYN[Arg72His]WARPVPNTSD